The following is an entry in ClinVar:

NM_198428.3(BBS9):c.563C>G (p.Ser188Cys)

Gene: BBS9 (Bardet-Biedl syndrome 9; plus strand). Cytogenetic location: 7p14.3.
Variant type: single nucleotide variant.
Coding change: c.563C>G on transcript NM_198428.3 (MANE Select); coding-DNA position 563, C replaced by G.
Protein change: p.Ser188Cys; replaces serine 188 with cysteine.
Molecular consequence: missense variant. On other transcripts: non-coding transcript variant (3).
Genome position (GRCh38, 1-based): chr7:33,257,356, C>G. VCF-style: chr7-33257356-C-G. GRCh37 (hg19) VCF-style: chr7-33296968-C-G.
Other names: c.563C>G, p.Ser188Cys (NM_001033604.2, NM_001033605.2, NM_001348036.1 and 5 more transcripts); c.197C>G, p.Ser66Cys (NM_001348037.3, NM_001348044.3, NM_001348045.3 and 1 more transcripts); c.290C>G, p.Ser97Cys (NM_001348038.3, NM_001348039.3); c.428C>G, p.Ser143Cys (NM_001348042.3); short protein forms S143C, S97C, S188C, S66C.
Identifiers: ClinVar variation 5001233 (VCV005001233.1).

ClinVar aggregate classification (germline): Uncertain significance (1 of 4 stars; one submission).

Conditions:
BBS9-related disorder. Also called: BBS9-related condition.

Submission:

PreventionGenetics, part of Exact Sciences
Classification: Uncertain significance for BBS9-related condition. Last evaluated: 2024-12-18. Review status: criteria provided, single submitter. Criteria: ACMG Guidelines, 2015. Collection method: clinical testing. Allele origin: germline.
Comment: The BBS9 c.563C>G variant is predicted to result in the amino acid substitution p.Ser188Cys. To our knowledge, this variant has not been reported in the literature or in a large population database (gnomAD), indicating this variant is rare. At this time, the clinical significance of this variant is uncertain due to the absence of conclusive functional and genetic evidence.